The following is an entry in ClinVar:

NM_005060.4(RORC):c.1328A>C (p.Gln443Pro)

Gene: RORC (RAR related orphan receptor C; minus strand). Cytogenetic location: 1q21.3.
Variant type: single nucleotide variant.
Coding change: c.1328A>C on transcript NM_005060.4 (MANE Select); coding-DNA position 1328, A replaced by C.
Protein change: p.Gln443Pro; replaces glutamine 443 with proline.
Molecular consequence: missense variant.
Genome position (GRCh38, 1-based): chr1:151,811,392, T>G on the plus strand (A>C on the coding strand, the complement: RORC is on the minus strand). VCF-style: chr1-151811392-T-G. GRCh37 (hg19) VCF-style: chr1-151783868-T-G.
Other names: c.1265A>C, p.Gln422Pro (LRG_1322t2, NM_001001523.2); c.1328A>C, p.Gln443Pro (LRG_1322t1); short protein forms Q422P, Q443P.
Identifiers: ClinVar variation 663988 (VCV000663988.8), dbSNP rs911262602, ClinGen allele CA342009937.

ClinVar aggregate classification (germline): Uncertain significance (1 of 4 stars; one submission).

Conditions:
Autosomal recessive mendelian susceptibility to mycobacterial diseases due to complete RORgamma receptor deficiency. Also called: Immunodeficiency 42. Identifiers: Orphanet 477857, MedGen C5567647, MONDO:0014710, OMIM 616622.

Submission:

Labcorp Genetics (formerly Invitae), Labcorp
Classification: Uncertain significance for Autosomal recessive mendelian susceptibility to mycobacterial diseases due to complete RORgamma receptor deficiency. Last evaluated: 2018-10-01. Review status: criteria provided, single submitter. Criteria: Invitae Variant Classification Sherloc (09022015). Collection method: clinical testing. Allele origin: germline.
Comment: In summary, the available evidence is currently insufficient to determine the role of this variant in disease. Therefore, it has been classified as a Variant of Uncertain Significance. Algorithms developed to predict the effect of missense changes on protein structure and function are either unavailable or do not agree on the potential impact of this missense change (SIFT: "Tolerated"; PolyPhen-2: "Probably Damaging"; Align-GVGD: "Class C0"). This variant has not been reported in the literature in individuals with RORC-related disease. This variant is not present in population databases (ExAC no frequency). This sequence change replaces glutamine with proline at codon 443 of the RORC protein (p.Gln443Pro). The glutamine residue is moderately conserved and there is a moderate physicochemical difference between glutamine and proline.